The following is an entry in ClinVar:

ClinVar aggregate classification (germline): Uncertain significance. Review status: criteria provided, multiple submitters, no conflicts (2 of 4 stars). 4 submissions from 4 submitters: Uncertain significance (4). Last evaluated 2026-10-12.

Conditions:
Ullrich congenital muscular dystrophy 2 (UCMD2). Identifiers: Orphanet 75840, MedGen C4225314, MONDO:0014654, OMIM 616470.
Bethlem myopathy 2 (BTHLM2). Identifiers: Orphanet 536516, Orphanet 610, MedGen C4225313, MONDO:0034022, OMIM 616471.

Allele frequency attached by ClinVar (database versions not stated): gnomAD exomes below 0.00001 and 0.00001; ExAC 0.00001; gnomAD 0.00002; TOPMed 0.00002.
gnomAD v4.1: 8 of 1,612,962 alleles (0.0005%); highest among the groups gnomAD compares: Admixed American, 0.0017%; no homozygotes.

Submissions (4):

GeneDx
Classification: Uncertain significance. Last evaluated: 2026-10-12. Review status: criteria provided, single submitter. Criteria: GeneDx Variant Classification Process June 2021. Collection method: clinical testing. Allele origin: germline.
Comment: Not observed at significant frequency in large population cohorts (gnomAD); In silico analysis supports that this missense variant has a deleterious effect on protein structure/function; This variant is associated with the following publications: (PMID: 38663984)

Labcorp Genetics (formerly Invitae), Labcorp
Classification: Uncertain significance for Bethlem myopathy 2; Ullrich congenital muscular dystrophy 2. Last evaluated: 2025-10-28. Review status: criteria provided, single submitter. Criteria: Invitae Variant Classification Sherloc (09022015). Collection method: clinical testing. Allele origin: germline.
Comment: This sequence change replaces tyrosine, which is neutral and polar, with asparagine, which is neutral and polar, at codon 1419 of the COL12A1 protein (p.Tyr1419Asn). This variant is present in population databases (rs758640189, gnomAD 0.003%). This variant has not been reported in the literature in individuals affected with COL12A1-related conditions. ClinVar contains an entry for this variant (Variation ID: 475866). Invitae Evidence Modeling of protein sequence and biophysical properties (such as structural, functional, and spatial information, amino acid conservation, physicochemical variation, residue mobility, and thermodynamic stability) indicates that this missense variant is expected to disrupt COL12A1 protein function with a positive predictive value of 80%. In summary, the available evidence is currently insufficient to determine the role of this variant in disease. Therefore, it has been classified as a Variant of Uncertain Significance.

Women's Health and Genetics/Laboratory Corporation of America, LabCorp
Classification: Uncertain significance. Last evaluated: 2025-02-12. Review status: criteria provided, single submitter. Criteria: LabCorp Variant Classification Summary - May 2015. Collection method: clinical testing. Allele origin: germline.
Comment: Variant summary: COL12A1 c.4255T>A (p.Tyr1419Asn) results in a non-conservative amino acid change located in the Fibronectin type-III domain ( IPR003961) of the encoded protein sequence. Five of five in-silico tools predict a damaging effect of the variant on protein function. The variant allele was found at a frequency of 8e-06 in 248692 control chromosomes. The available data on variant occurrences in the general population are insufficient to allow any conclusion about variant significance. To our knowledge, no occurrence of c.4255T>A in individuals affected with Ullrich congenital muscular dystrophy 2 and no experimental evidence demonstrating its impact on protein function have been reported. ClinVar contains an entry for this variant (Variation ID: 475866). Based on the evidence outlined above, the variant was classified as uncertain significance.

Revvity Omics, Revvity
Classification: Uncertain significance. Last evaluated: 2021-04-13. Review status: criteria provided, single submitter. Criteria: ACMG Guidelines, 2015. Collection method: clinical testing. Allele origin: germline.

Literature cited by the submitters: PubMed 28769055 (cited by Women's Health and Genetics/Laboratory Corporation of America, LabCorp).

NM_004370.6(COL12A1):c.4255T>A (p.Tyr1419Asn)

Gene: COL12A1 (collagen type XII alpha 1 chain; minus strand). Cytogenetic location: 6q13.
Variant type: single nucleotide variant.
Coding change: c.4255T>A on transcript NM_004370.6 (MANE Select); coding-DNA position 4255, T replaced by A.
Protein change: p.Tyr1419Asn; replaces tyrosine 1419 with asparagine.
Molecular consequence: missense variant.
Genome position (GRCh38, 1-based): chr6:75,148,390, A>T on the plus strand (T>A on the coding strand, the complement: COL12A1 is on the minus strand). VCF-style: chr6-75148390-A-T. GRCh37 (hg19) VCF-style: chr6-75858106-A-T.
Other names: c.763T>A, p.Tyr255Asn (NM_080645.3); short protein forms Y1419N, Y255N.
Identifiers: ClinVar variation 475866 (VCV000475866.17), dbSNP rs758640189, ClinGen allele CA3893501.